The following is an entry in ClinVar:

NM_001378418.1(TCF20):c.2063C>T (p.Ala688Val)

Gene: TCF20 (transcription factor 20; minus strand). Cytogenetic location: 22q13.2.
Variant type: single nucleotide variant.
Coding change: c.2063C>T on transcript NM_001378418.1 (MANE Select); coding-DNA position 2063, C replaced by T.
Protein change: p.Ala688Val; replaces alanine 688 with valine.
Molecular consequence: missense variant.
Genome position (GRCh38, 1-based): chr22:42,213,243, G>A on the plus strand (C>T on the coding strand, the complement: TCF20 is on the minus strand). VCF-style: chr22-42213243-G-A. GRCh37 (hg19) VCF-style: chr22-42609249-G-A.
Other names: c.2063C>T (NM_005650.1); c.2063C>T, p.Ala688Val (NM_005650.4, NM_181492.3); short protein forms A688V.
Identifiers: ClinVar variation 2653252 (VCV002653252.26), dbSNP rs200310258, ClinGen allele CA10267072.
Genomic context (GRCh38, chr22:42,213,243, plus strand): 5'-CTATAGCGCAGACTTCCAGGAGATTTGCTAGGCTCAGTTCTGCTCGTAAAACCAGGGCCC[G>A]CTGCAGAGTGGCCACTCTGGCCATTTCCTTCTCCATTATGGTTGGAGTTGTTATCGCCAT-3'
Protein context (NP_001365347.1, residues 678-698): EGNGQSGHSA[Ala688Val]GPGFTSRTEP

ClinVar aggregate classification (germline): Conflicting classifications of pathogenicity. Review status: criteria provided, conflicting classifications (1 of 4 stars). 3 submissions from 3 submitters: Uncertain significance (1); Likely benign (2). Last evaluated 2025-05-01.

Conditions:
Inborn genetic diseases. Identifiers: MedGen C0950123, MeSH D030342.

Allele frequency attached by ClinVar (database versions not stated): gnomAD exomes 0.00001; ExAC 0.00004; TOPMed 0.00004; gnomAD 0.00006; 1000 Genomes Project 30x 0.00016; 1000 Genomes Project 0.00020.
gnomAD v4.1: 27 of 1,614,166 alleles (0.0017%); highest among the groups gnomAD compares: African/African-American, 0.017%; no homozygotes.

Submissions (3):

Ambry Genetics
Classification: Likely benign for Inborn genetic diseases. Last evaluated: 2025-05-01. Review status: criteria provided, single submitter. Criteria: Ambry Variant Classification Scheme 2023. Collection method: clinical testing. Allele origin: germline.

Labcorp Genetics (formerly Invitae), Labcorp
Classification: Uncertain significance. Last evaluated: 2024-05-06. Review status: criteria provided, single submitter. Criteria: Invitae Variant Classification Sherloc (09022015). Collection method: clinical testing. Allele origin: germline.
Comment: This sequence change replaces alanine, which is neutral and non-polar, with valine, which is neutral and non-polar, at codon 688 of the TCF20 protein (p.Ala688Val). This variant is present in population databases (rs200310258, gnomAD 0.02%). This variant has not been reported in the literature in individuals affected with TCF20-related conditions. ClinVar contains an entry for this variant (Variation ID: 2653252). Algorithms developed to predict the effect of missense changes on protein structure and function output the following: SIFT: "Not Available"; PolyPhen-2: "Benign"; Align-GVGD: "Not Available". The valine amino acid residue is found in multiple mammalian species, which suggests that this missense change does not adversely affect protein function. In summary, the available evidence is currently insufficient to determine the role of this variant in disease. Therefore, it has been classified as a Variant of Uncertain Significance.

CeGaT Center for Human Genetics Tuebingen
Classification: Likely benign. Last evaluated: 2022-10-01. Review status: criteria provided, single submitter. Criteria: CeGaT Center For Human Genetics Tuebingen Variant Classification Criteria Version 2. Collection method: clinical testing. Allele origin: germline. Affected: yes. Observed: 1 variant allele.
Comment: TCF20: BP4